The following is an entry in ClinVar:

NM_015910.7(WDPCP):c.1749G>C (p.Arg583Ser)

Gene: WDPCP (WD repeat containing planar cell polarity effector; minus strand). Cytogenetic location: 2p15.
Variant type: single nucleotide variant.
Coding change: c.1749G>C on transcript NM_015910.7 (MANE Select); coding-DNA position 1749, G replaced by C.
Protein change: p.Arg583Ser; replaces arginine 583 with serine.
Molecular consequence: missense variant. On other transcripts: non-coding transcript variant (3).
Genome position (GRCh38, 1-based): chr2:63,313,311, C>G on the plus strand (G>C on the coding strand, the complement: WDPCP is on the minus strand). VCF-style: chr2-63313311-C-G. GRCh37 (hg19) VCF-style: chr2-63540446-C-G.
Other names: c.1749G>C (NM_015910.5); c.1272G>C, p.Arg424Ser (NM_001042692.3); c.1677G>C, p.Arg559Ser (NM_001354044.2); short protein forms R424S, R559S, R583S.
Identifiers: ClinVar variation 3586809 (VCV003586809.2).

ClinVar aggregate classification (germline): Uncertain significance. Review status: criteria provided, multiple submitters, no conflicts (2 of 4 stars). 2 submissions from 2 submitters: Uncertain significance (2). Last evaluated 2025-12-17.

Conditions:
Bardet-Biedl syndrome 15 (BBS15). Identifiers: Orphanet 110, MedGen C3150127, MONDO:0014443, OMIM 615992.
Heart defect - tongue hamartoma - polysyndactyly syndrome. Also called: Congenital heart defects, hamartomas of tongue, and polysyndactyly. Identifiers: Orphanet 1338, MedGen C1857587, MONDO:0009008, OMIM 217085.
WDPCP-related disorder. Also called: WDPCP-related condition.

gnomAD v4.1: 5 of 1,613,046 alleles (0.00031%); highest among the groups gnomAD compares: African/African-American, 0.0027%; no homozygotes.

Submissions (2):

PreventionGenetics, part of Exact Sciences
Classification: Uncertain significance for WDPCP-related condition. Last evaluated: 2025-12-17. Review status: criteria provided, single submitter. Criteria: ACMG Guidelines, 2015. Collection method: clinical testing. Allele origin: germline.
Comment: The WDPCP c.1749G>C variant is predicted to result in the amino acid substitution p.Arg583Ser. To our knowledge, this variant has not been reported in the literature or in a large population database (gnomAD), indicating this variant is rare. At this time, the clinical significance of this variant is uncertain due to the absence of conclusive functional and genetic evidence.

Fulgent Genetics
Classification: Uncertain significance for Heart defect - tongue hamartoma - polysyndactyly syndrome; Bardet-Biedl syndrome 15. Last evaluated: 2024-04-02. Review status: criteria provided, single submitter. Criteria: ACMG Guidelines, 2015. Collection method: clinical testing. Allele origin: germline.